The following is an entry in ClinVar:

ClinVar aggregate classification (germline): Likely benign. Review status: criteria provided, multiple submitters, no conflicts (2 of 4 stars). 2 submissions from 2 submitters: Likely benign (2). Last evaluated 2026-01-05.

Conditions:
KLHL41-related disorder. Also called: KLHL41-related condition.
Nemaline myopathy 9 (NEM9). Identifiers: MedGen C3810384, MONDO:0014326, OMIM 615731.

Allele frequency attached by ClinVar (database versions not stated): gnomAD exomes 0.00001 and 0.00002; ExAC 0.00002; gnomAD 0.00020 and 0.00025; 1000 Genomes Project 30x 0.00031; TOPMed 0.00033; 1000 Genomes Project 0.00040.
gnomAD v4.1: 64 of 1,614,200 alleles (0.004%); highest among the groups gnomAD compares: Admixed American, 0.08%; no homozygotes.

Submissions (2):

Labcorp Genetics (formerly Invitae), Labcorp
Classification: Likely benign for Nemaline myopathy 9. Last evaluated: 2026-01-05. Review status: criteria provided, single submitter. Criteria: Invitae Variant Classification Sherloc (09022015). Collection method: clinical testing. Allele origin: germline.

PreventionGenetics, part of Exact Sciences
Classification: Likely benign for KLHL41-related condition. Last evaluated: 2025-02-14. Review status: criteria provided, single submitter. Criteria: ACMG Guidelines, 2015. Collection method: clinical testing. Allele origin: germline.
Comment: This variant is classified as likely benign based on ACMG/AMP sequence variant interpretation guidelines (Richards et al. 2015 PMID: 25741868, with internal and published modifications).

NM_006063.3(KLHL41):c.291T>C (p.Asp97=)

Gene: KLHL41 (kelch like family member 41; plus strand). Cytogenetic location: 2q31.1.
Variant type: single nucleotide variant.
Coding change: c.291T>C on transcript NM_006063.3 (MANE Select); coding-DNA position 291, T replaced by C.
Protein change: p.Asp97=; no amino-acid change (aspartic acid 97 retained).
Molecular consequence: synonymous variant.
Genome position (GRCh38, 1-based): chr2:169,510,069, T>C. VCF-style: chr2-169510069-T-C. GRCh37 (hg19) VCF-style: chr2-170366579-T-C.
Identifiers: ClinVar variation 474870 (VCV000474870.13), dbSNP rs537913427, ClinGen allele CA1956478.